The following is an entry in ClinVar:

ClinVar aggregate classification (germline): Uncertain significance (1 of 4 stars; one submission).

Conditions:
Nemaline myopathy 2 (NEM2). Also called: Nemaline myopathy 2, autosomal recessive. Identifiers: MedGen C1850569, MONDO:0009725, OMIM 256030.

Submission:

Labcorp Genetics (formerly Invitae), Labcorp
Classification: Uncertain significance for Nemaline myopathy 2. Last evaluated: 2022-05-21. Review status: criteria provided, single submitter. Criteria: Invitae Variant Classification Sherloc (09022015). Collection method: clinical testing. Allele origin: germline.
Comment: This sequence change replaces lysine, which is basic and polar, with glutamic acid, which is acidic and polar, at codon 2347 of the NEB protein (p.Lys2347Glu). This variant is not present in population databases (gnomAD no frequency). This variant has not been reported in the literature in individuals affected with NEB-related conditions. Algorithms developed to predict the effect of missense changes on protein structure and function are either unavailable or do not agree on the potential impact of this missense change (SIFT: "Deleterious"; PolyPhen-2: "Not Available"; Align-GVGD: "Class C0"). In summary, the available evidence is currently insufficient to determine the role of this variant in disease. Therefore, it has been classified as a Variant of Uncertain Significance.

NM_001164508.2(NEB):c.7039A>G (p.Lys2347Glu)

Gene: NEB (nebulin; minus strand). Cytogenetic location: 2q23.3.
Variant type: single nucleotide variant.
Coding change: c.7039A>G on transcript NM_001164508.2 (MANE Select); coding-DNA position 7039, A replaced by G.
Protein change: p.Lys2347Glu; replaces lysine 2347 with glutamic acid.
Molecular consequence: missense variant.
Genome position (GRCh38, 1-based): chr2:151,650,762, T>C on the plus strand (A>G on the coding strand, the complement: NEB is on the minus strand). VCF-style: chr2-151650762-T-C. GRCh37 (hg19) VCF-style: chr2-152507276-T-C.
Other names: c.7039A>G, p.Lys2347Glu (NM_001164507.2, NM_001271208.2, NM_004543.5); short protein forms K2347E.
Identifiers: ClinVar variation 1997679 (VCV001997679.1), dbSNP rs2552249945, ClinGen allele CA348790410.